The following is an entry in ClinVar:

ClinVar aggregate classification (germline): Benign. Review status: criteria provided, single submitter (1 of 4 stars). 2 submissions from 2 submitters: Benign (1). 1 of the submissions does not count toward it. Last evaluated 2026-01-26.

Conditions:
AMH-related disorder. Also called: AMH-related condition.

Allele frequency attached by ClinVar (database versions not stated): gnomAD exomes 0.00031; ESP Exome Variant Server 0.00191; ExAC 0.00202; 1000 Genomes Project 30x 0.00250; 1000 Genomes Project 0.00260; TOPMed 0.00396.
gnomAD v4.1: 982 of 1,528,246 alleles (0.064%); highest among the groups gnomAD compares: African/African-American, 1.2%; 5 homozygotes.

Submissions (2):

Labcorp Genetics (formerly Invitae), Labcorp
Classification: Benign. Last evaluated: 2026-01-26. Review status: criteria provided, single submitter. Criteria: Invitae Variant Classification Sherloc (09022015). Collection method: clinical testing. Allele origin: germline.

PreventionGenetics, part of Exact Sciences
Classification: Benign for AMH-related condition. Last evaluated: 2019-06-07. Review status: no assertion criteria provided. Collection method: clinical testing. Allele origin: germline. Not counted in ClinVar's aggregate classification.
Comment: This variant is classified as benign based on ACMG/AMP sequence variant interpretation guidelines (Richards et al. 2015 PMID: 25741868, with internal and published modifications).

NM_000479.5(AMH):c.304G>A (p.Val102Ile)

Gene: AMH (anti-Mullerian hormone; plus strand). Cytogenetic location: 19p13.3.
Variant type: single nucleotide variant.
Coding change: c.304G>A on transcript NM_000479.5 (MANE Select); coding-DNA position 304, G replaced by A.
Protein change: p.Val102Ile; replaces valine 102 with isoleucine.
Molecular consequence: missense variant.
Genome position (GRCh38, 1-based): chr19:2,249,636, G>A. VCF-style: chr19-2249636-G-A. GRCh37 (hg19) VCF-style: chr19-2249635-G-A.
Other names: c.304G>A (NM_000479.4); short protein forms V102I.
Identifiers: ClinVar variation 2066260 (VCV002066260.6), dbSNP rs200289507, ClinGen allele CA9062798.
Genomic context (GRCh38, chr19:2,249,636, plus strand): 5'-GCCTTCCTGGGGGCCGTGCAGAGGGCCCGCTGGGGCCCCCGAGACCTGGCCACCTTCGGG[G>A]TCTGCAACACCGGTGACAGGCAGGCTGCCTTGCCCTCTCTACGGCGGCTGGGGGCCTGGC-3'
Protein context (NP_000470.3, residues 92-112): WGPRDLATFG[Val102Ile]CNTGDRQAAL